The following is an entry in ClinVar:

ClinVar aggregate classification (germline): Likely pathogenic (1 of 4 stars; one submission).

Conditions:
Melnick-Fraser syndrome (BOR). Also called: Branchio-oto-renal syndrome; Branchiootorenal Syndrome (BORS); Branchiootorenal syndrome. Identifiers: Orphanet 107, MedGen C0265234, MONDO:0007029.

Submission:

Labcorp Genetics (formerly Invitae), Labcorp
Classification: Likely pathogenic for Melnick-Fraser syndrome. Last evaluated: 2019-03-13. Review status: criteria provided, single submitter. Criteria: Invitae Variant Classification Sherloc (09022015). Collection method: clinical testing. Allele origin: germline.
Comment: Algorithms developed to predict the effect of missense changes on protein structure and function (SIFT, PolyPhen-2, Align-GVGD) all suggest that this variant is likely to be disruptive, but these predictions have not been confirmed by published functional studies and their clinical significance is uncertain. In summary, the currently available evidence indicates that the variant is pathogenic, but additional data are needed to prove that conclusively. Therefore, this variant has been classified as Likely Pathogenic. This sequence change replaces leucine with arginine at codon 580 of the EYA1 protein (p.Leu580Arg). The leucine residue is highly conserved and there is a moderate physicochemical difference between leucine and arginine. This variant is not present in population databases (ExAC no frequency).

NM_000503.6(EYA1):c.1739T>G (p.Leu580Arg)

Gene: EYA1 (EYA transcriptional coactivator and phosphatase 1; minus strand). Cytogenetic location: 8q13.3.
Variant type: single nucleotide variant.
Coding change: c.1739T>G on transcript NM_000503.6 (MANE Select); coding-DNA position 1739, T replaced by G.
Protein change: p.Leu580Arg; replaces leucine 580 with arginine.
Molecular consequence: missense variant.
Genome position (GRCh38, 1-based): chr8:71,199,380, A>C on the plus strand (T>G on the coding strand, the complement: EYA1 is on the minus strand). VCF-style: chr8-71199380-A-C. GRCh37 (hg19) VCF-style: chr8-72111615-A-C.
Other names: c.1721T>G, p.Leu574Arg (NM_001288574.2, NM_172059.5); c.1373T>G, p.Leu458Arg (NM_001288575.2); c.1826T>G, p.Leu609Arg (NM_001370333.1); c.1739T>G, p.Leu580Arg (NM_001370334.1, NM_001370335.1, NM_172058.4); c.1718T>G, p.Leu573Arg (NM_001370336.1); short protein forms L458R, L580R, L609R, L573R, L574R.
Identifiers: ClinVar variation 644606 (VCV000644606.10), dbSNP rs1585717154, ClinGen allele CA371273662.